The following is an entry in ClinVar:

NM_016507.4(CDK12):c.2281G>T (p.Asp761Tyr)

Gene: CDK12 (cyclin dependent kinase 12; plus strand). Cytogenetic location: 17q12.
Variant type: single nucleotide variant.
Coding change: c.2281G>T on transcript NM_016507.4 (MANE Select); coding-DNA position 2281, G replaced by T.
Protein change: p.Asp761Tyr; replaces aspartic acid 761 with tyrosine.
Molecular consequence: missense variant.
Genome position (GRCh38, 1-based): chr17:39,494,556, G>T. VCF-style: chr17-39494556-G-T. GRCh37 (hg19) VCF-style: chr17-37650809-G-T.
Other names: c.2281G>T, p.Asp761Tyr (NM_015083.4); short protein forms D761Y.
Identifiers: ClinVar variation 4825933 (VCV004825933.1).

ClinVar aggregate classification (germline): Uncertain significance (1 of 4 stars; one submission).

Submission:

Ambry Genetics
Classification: Uncertain significance. Last evaluated: 2026-02-23. Review status: criteria provided, single submitter. Criteria: Ambry Variant Classification Scheme 2023. Collection method: clinical testing. Allele origin: germline.
Comment: The p.D761Y variant (also known as c.2281G>T), located in coding exon 5 of the CDK12 gene, results from a G to T substitution at nucleotide position 2281. The aspartic acid at codon 761 is replaced by tyrosine, an amino acid with highly dissimilar properties. This amino acid position is conserved. In addition, this alteration is predicted to be deleterious by in silico analysis. Based on the available evidence, the clinical significance of this variant remains unclear.